The following is an entry in ClinVar:

ClinVar aggregate classification (germline): Benign/Likely benign. Review status: criteria provided, multiple submitters, no conflicts (2 of 4 stars). 3 submissions from 3 submitters: Benign (1); Likely benign (2). Last evaluated 2026-08-08.

Conditions:
Multiple endocrine neoplasia type 2A. Also called: MULTIPLE ENDOCRINE NEOPLASIA, TYPE IIA; PTC SYNDROME; SIPPLE SYNDROME; MEN 2A; MEN-2A syndrome; Pheochromocytoma and amyloid producing medullary thyroid carcinoma. Identifiers: Orphanet 247698, Orphanet 653, MedGen C0025268, MeSH D018813, MONDO:0008234, OMIM 171400.
Multiple endocrine neoplasia, type 2 (MEN2). Identifiers: Orphanet 653, MedGen C4048306, MONDO:0019003. Disease mechanism: gain of function.
Hereditary cancer-predisposing syndrome. Also called: Tumor predisposition; Hereditary neoplastic syndrome; Hereditary Cancer Syndrome; Neoplastic Syndromes, Hereditary. Identifiers: Orphanet 140162, MedGen C0027672, MeSH D009386, MONDO:0015356.

Submissions (3):

Ambry Genetics
Classification: Likely benign for Hereditary cancer-predisposing syndrome. Last evaluated: 2026-08-08. Review status: criteria provided, single submitter. Criteria: Ambry Variant Classification Scheme 2023. Collection method: clinical testing. Allele origin: germline.

Labcorp Genetics (formerly Invitae), Labcorp
Classification: Likely benign for Multiple endocrine neoplasia, type 2. Last evaluated: 2025-09-15. Review status: criteria provided, single submitter. Criteria: Invitae Variant Classification Sherloc (09022015). Collection method: clinical testing. Allele origin: germline.

Myriad Genetics, Inc.
Classification: Benign for Multiple endocrine neoplasia type 2A. Last evaluated: 2025-02-26. Review status: criteria provided, single submitter. Criteria: Myriad Autosomal Dominant, Autosomal Recessive and X-Linked Classification Criteria (2023). Collection method: clinical testing. Allele origin: unknown.
Comment: This variant is considered benign. This variant is a silent/synonymous amino acid change and it is not expected to impact splicing.

NM_020975.6(RET):c.1983C>T (p.His661=)

Gene: RET (ret proto-oncogene; plus strand). Cytogenetic location: 10q11.21.
Variant type: single nucleotide variant.
Coding change: c.1983C>T on transcript NM_020975.6 (MANE Select); coding-DNA position 1983, C replaced by T.
Protein change: p.His661=; no amino-acid change (histidine 661 retained).
Molecular consequence: synonymous variant. On other transcripts: intron variant (4).
Genome position (GRCh38, 1-based): chr10:43,114,583, C>T. VCF-style: chr10-43114583-C-T. GRCh37 (hg19) VCF-style: chr10-43610031-C-T.
Other names: c.1221C>T, p.His407= (NM_001355216.2); c.1983C>T, p.His661= (NM_001406743.1, NM_001406744.1, NM_001406759.1 and 2 more transcripts); c.1854C>T, p.His618= (NM_001406761.1, NM_001406762.1, NM_001406764.1); c.1695C>T, p.His565= (NM_001406766.1, NM_001406767.1, NM_001406770.1); c.1587C>T, p.His529= (NM_001406769.1, NM_001406772.1); c.1545C>T, p.His515= (NM_001406771.1, NM_001406773.1); c.1458C>T, p.His486= (NM_001406774.1); c.1257C>T, p.His419= (NM_001406775.1, NM_001406776.1, NM_001406777.1 and 1 more transcripts); and 10 more.
Identifiers: ClinVar variation 3728173 (VCV003728173.4).
Genomic context (GRCh38, chr10:43,114,583, plus strand): 5'-TGTCCTCTTCTCCTTCATCGTCTCGGTGCTGCTGTCTGCCTTCTGCATCCACTGCTACCA[C>T]AAGTTTGCCCACAAGCCACCCATCTCCTCAGCTGAGATGACCTTCCGGAGGCCCGCCCAG-3'
Protein context (NP_066124.1, residues 651-671): LLSAFCIHCY[His661=]KFAHKPPISS